The following is an entry in ClinVar:

ClinVar aggregate classification (germline): Uncertain significance. Review status: reviewed by expert panel (3 of 4 stars). 2 submissions from 2 submitters: Uncertain significance (1). 1 of the submissions does not count toward it. Last evaluated 2024-05-01.

Conditions:
Severe combined immunodeficiency, autosomal recessive, T cell-negative, B cell-negative, NK cell-negative, due to adenosine deaminase deficiency. Also called: ADA deficiency; SCID DUE TO ADA DEFICIENCY; SCID DUE TO ADA DEFICIENCY, EARLY-ONSET; Adenosine deaminase deficient severe combined immunodeficiency; Severe combined immunodeficiency due to ADA deficiency; Adenosine Deaminase Deficiency. Identifiers: Orphanet 277, MedGen C0392607, MONDO:0007064, OMIM 102700.

Allele frequency attached by ClinVar (database versions not stated): ExAC 0.00001; gnomAD 0.00001; gnomAD exomes 0.00001.
gnomAD v4.1: 9 of 1,613,844 alleles (0.00056%); highest among the groups gnomAD compares: East Asian, 0.02%; no homozygotes.

Submissions (2):

ClinGen Severe Combined Immunodeficiency Variant Curation Expert Panel, ClinGen
Classification: Uncertain significance for Severe combined immunodeficiency, autosomal recessive, T cell-negative, B cell-negative, NK cell-negative, due to adenosine deaminase deficiency. Last evaluated: 2024-05-01. Review status: reviewed by expert panel. Criteria: ClinGen SCID ACMG Specifications ADA V1.0.0. Collection method: curation. Allele origin: germline. Inheritance: Autosomal recessive inheritance.
Comment: NM_000022.4:c.569G>A is a missense variant predicted to cause substitution of Glycine by Glutamic Acid at amino acid 190 (p.Gly190Glu).The filtering allele frequency (the upper threshold of the 95% CI of 9/44886) of the c.569G>A variant in ADA is 0.00009929 for East Asian chromosomes by gnomAD v4, which is lower than the ClinGen SCID VCEP threshold (<0.0001742) for PM2_Supporting, and therefore meets this criterion (PM2_Supporting).There are no publications for this variant in the literature. Based on insufficient evidence, this variant may be classified as Variant of uncertain significance for autosomal recessive SCID based on ACMG/AMP criteria applied, as specified by the ClinGen SCID VCEP(specification version 1.0): PM2_supporting.

Labcorp Genetics (formerly Invitae), Labcorp
Classification: Uncertain significance for Severe combined immunodeficiency, autosomal recessive, T cell-negative, B cell-negative, NK cell-negative, due to adenosine deaminase deficiency. Last evaluated: 2022-08-02. Review status: criteria provided, single submitter. Criteria: Invitae Variant Classification Sherloc (09022015). Collection method: clinical testing. Allele origin: germline. Not counted in ClinVar's aggregate classification.
Comment: This sequence change replaces glycine, which is neutral and non-polar, with glutamic acid, which is acidic and polar, at codon 190 of the ADA protein (p.Gly190Glu). This variant is present in population databases (rs767265448, gnomAD 0.02%). This variant has not been reported in the literature in individuals affected with ADA-related conditions. Advanced modeling of protein sequence and biophysical properties (such as structural, functional, and spatial information, amino acid conservation, physicochemical variation, residue mobility, and thermodynamic stability) performed at Invitae indicates that this missense variant is not expected to disrupt ADA protein function. In summary, the available evidence is currently insufficient to determine the role of this variant in disease. Therefore, it has been classified as a Variant of Uncertain Significance.

NM_000022.4(ADA):c.569G>A (p.Gly190Glu)

Gene: ADA (adenosine deaminase; minus strand). Cytogenetic location: 20q13.12.
Variant type: single nucleotide variant.
Coding change: c.569G>A on transcript NM_000022.4 (MANE Select); coding-DNA position 569, G replaced by A.
Protein change: p.Gly190Glu; replaces glycine 190 with glutamic acid.
Molecular consequence: missense variant. On other transcripts: non-coding transcript variant (1).
Genome position (GRCh38, 1-based): chr20:44,624,239, C>T on the plus strand (G>A on the coding strand, the complement: ADA is on the minus strand). VCF-style: chr20-44624239-C-T. GRCh37 (hg19) VCF-style: chr20-43252880-C-T.
Other names: NM_000022.4(ADA):c.569G>A; p.Gly190Glu; c.164G>A, p.Gly55Glu (NM_001322050.2); c.569G>A, p.Gly190Glu (NM_001322051.2); short protein forms G55E, G190E.
Identifiers: ClinVar variation 2147602 (VCV002147602.1), dbSNP rs767265448, ClinGen allele CA9871628.